The following is an entry in ClinVar:

NM_000238.4(KCNH2):c.3459C>G (p.His1153Gln)

Gene: KCNH2 (potassium voltage-gated channel subfamily H member 2; minus strand). Cytogenetic location: 7q36.1.
Variant type: single nucleotide variant.
Coding change: c.3459C>G on transcript NM_000238.4 (MANE Select); coding-DNA position 3459, C replaced by G.
Protein change: p.His1153Gln; replaces histidine 1153 with glutamine.
Molecular consequence: missense variant. On other transcripts: non-coding transcript variant (2).
Genome position (GRCh38, 1-based): chr7:150,945,386, G>C on the plus strand (C>G on the coding strand, the complement: KCNH2 is on the minus strand). VCF-style: chr7-150945386-G-C. GRCh37 (hg19) VCF-style: chr7-150642474-G-C.
Other names: c.3171C>G, p.His1057Gln (NM_001406753.1); c.2439C>G, p.His813Gln (NM_172057.3); short protein forms H1057Q, H1153Q, H813Q.
Identifiers: ClinVar variation 3072847 (VCV003072847.1), dbSNP rs755599756, ClinGen allele CA369851375.

ClinVar aggregate classification (germline): Uncertain significance (1 of 4 stars; one submission).

Conditions:
Long QT syndrome (LQTS). Identifiers: MedGen C0023976, MeSH D008133, MONDO:0002442. Disease mechanism: loss of function. Inheritance: Various modes of inheritance.

Submission:

All of Us Research Program, National Institutes of Health
Classification: Uncertain significance for Long QT syndrome. Last evaluated: 2023-08-15. Review status: criteria provided, single submitter. Criteria: ACMG Guidelines, 2015. Collection method: clinical testing. Allele origin: germline. Inheritance: Autosomal dominant inheritance. Observed: 1 variant allele, 1 heterozygote.
Comment: This missense variant replaces histidine with glutamine at codon 1153 of the KCNH2 protein. Computational prediction is inconclusive regarding the impact of this variant on protein structure and function (internally defined REVEL score threshold 0.5 < inconclusive < 0.7, PMID: 27666373). To our knowledge, functional studies have not been reported for this variant. This variant has been reported in an individual suspected of having epilepsy (PMID: 31696929). This variant has not been identified in the general population by the Genome Aggregation Database (gnomAD). The available evidence is insufficient to determine the role of this variant in disease conclusively. Therefore, this variant is classified as a Variant of Uncertain Significance.

This study involves interpretation of variants in research participants for the purpose of population health screening. Participant phenotype was not available at the time of variant classification. Additional details can be found in publication PMID: 35346344, PMCID: PMC8962531

Literature cited by the submitters: PubMed 31696929.